The following is an entry in ClinVar:

NM_004252.5(NHERF1):c.391G>C (p.Ala131Pro)

Genes: NHERF1 (NHERF family PDZ scaffold protein 1; plus strand), SLC9A3R1-AS1 (SLC9A3R1 antisense RNA 1; minus strand). Cytogenetic location: 17q25.1.
Variant type: single nucleotide variant.
Coding change: c.391G>C on transcript NM_004252.5 (MANE Select); coding-DNA position 391, G replaced by C.
Protein change: p.Ala131Pro; replaces alanine 131 with proline.
Molecular consequence: missense variant. On other transcripts: non-coding transcript variant (1).
Genome position (GRCh38, 1-based): chr17:74,749,237, G>C. VCF-style: chr17-74749237-G-C. GRCh37 (hg19) VCF-style: chr17-72745376-G-C.
Other names: short protein forms A131P.
Identifiers: ClinVar variation 2648232 (VCV002648232.24), dbSNP rs1374757474, ClinGen allele CA400936803.

ClinVar aggregate classification (germline): Uncertain significance (1 of 4 stars; one submission).

Submission:

CeGaT Center for Human Genetics Tuebingen
Classification: Uncertain significance. Last evaluated: 2023-07-01. Review status: criteria provided, single submitter. Criteria: CeGaT Center For Human Genetics Tuebingen Variant Classification Criteria Version 2. Collection method: clinical testing. Allele origin: germline. Affected: yes. Observed: 1 variant allele.
Comment: NHERF1: PM2, BP4